The following is an entry in ClinVar:

NM_021930.6(RINT1):c.128T>C (p.Val43Ala)

Gene: RINT1 (RAD50 interactor 1; plus strand). Cytogenetic location: 7q22.3.
Variant type: single nucleotide variant.
Coding change: c.128T>C on transcript NM_021930.6 (MANE Select); coding-DNA position 128, T replaced by C.
Protein change: p.Val43Ala; replaces valine 43 with alanine.
Molecular consequence: missense variant. On other transcripts: 5 prime UTR variant (3), non-coding transcript variant (1).
Genome position (GRCh38, 1-based): chr7:105,536,604, T>C. VCF-style: chr7-105536604-T-C. GRCh37 (hg19) VCF-style: chr7-105177051-T-C.
Other names: c.31T>C, p.Ser11Pro (NM_001346599.2); c.-892T>C (NM_001346600.2); c.-795T>C (NM_001346601.2); c.-415T>C (NM_001346603.2); short protein forms V43A, S11P.
Identifiers: ClinVar variation 1769071 (VCV001769071.3), dbSNP rs1477963957, ClinGen allele CA368800083.
Genomic context (GRCh38, chr7:105,536,604, plus strand): 5'-ATTGTTATTCTTTTGTTGTAGGTGACATAAATGTTACAGTTCTTATTGGAAGTAAACAAG[T>C]CAGTGAAGGTACAGATAATGGTGATCTCCCTTCTTATGTGTCTGCATTCATAGAAAAGGA-3'
Protein context (NP_068749.3, residues 33-53): NVTVLIGSKQ[Val43Ala]SEGTDNGDLP

ClinVar aggregate classification (germline): Uncertain significance (1 of 4 stars; one submission).

Allele frequency attached by ClinVar (database versions not stated): gnomAD exomes below 0.00001.
gnomAD v4.1: 4 of 1,605,340 alleles (0.00025%); highest among the groups gnomAD compares: Middle Eastern, 0.017%; no homozygotes.

Submission:

Ambry Genetics
Classification: Uncertain significance. Last evaluated: 2024-11-17. Review status: criteria provided, single submitter. Criteria: Ambry Variant Classification Scheme 2023. Collection method: clinical testing. Allele origin: germline.
Comment: The p.V43A variant (also known as c.128T>C), located in coding exon 3 of the RINT1 gene, results from a T to C substitution at nucleotide position 128. The valine at codon 43 is replaced by alanine, an amino acid with similar properties. This amino acid position is conserved. In addition, this alteration is predicted to be tolerated by in silico analysis. Since supporting evidence is limited at this time, the clinical significance of this alteration remains unclear.